The following is an entry in ClinVar:

NM_000232.5(SGCB):c.455A>G (p.Lys152Arg)

Gene: SGCB (sarcoglycan beta; minus strand). Cytogenetic location: 4q12.
Variant type: single nucleotide variant.
Coding change: c.455A>G on transcript NM_000232.5 (MANE Select); coding-DNA position 455, A replaced by G.
Protein change: p.Lys152Arg; replaces lysine 152 with arginine.
Molecular consequence: missense variant.
Genome position (GRCh38, 1-based): chr4:52,028,896, T>C on the plus strand (A>G on the coding strand, the complement: SGCB is on the minus strand). VCF-style: chr4-52028896-T-C. GRCh37 (hg19) VCF-style: chr4-52895062-T-C.
Other names: c.455A>G (NM_000232.4); short protein forms K152R.
Identifiers: ClinVar variation 1462557 (VCV001462557.4), dbSNP rs1009256568, ClinGen allele CA96782238.

ClinVar aggregate classification (germline): Uncertain significance. Review status: criteria provided, multiple submitters, no conflicts (2 of 4 stars). 2 submissions from 2 submitters: Uncertain significance (2). Last evaluated 2024-04-22.

Conditions:
Autosomal recessive limb-girdle muscular dystrophy type 2E (LGMDR4). Also called: MUSCULAR DYSTROPHY, LIMB-GIRDLE, AUTOSOMAL RECESSIVE 4. Identifiers: Orphanet 119, MedGen C1858593, MONDO:0011423, OMIM 604286. Disease mechanism: Affects gamma-sarcoglycan and also disrupts the integrity of the entire sarcoglycan complex..

Allele frequency attached by ClinVar (database versions not stated): gnomAD exomes below 0.00001 and 0.00001; TOPMed below 0.00001.
gnomAD v4.1: 6 of 1,613,948 alleles (0.00037%); highest among the groups gnomAD compares: Admixed American, 0.005%; no homozygotes.

Submissions (2):

GeneDx
Classification: Uncertain significance. Last evaluated: 2024-04-22. Review status: criteria provided, single submitter. Criteria: GeneDx Variant Classification Process June 2021. Collection method: clinical testing. Allele origin: germline. Affected: yes.
Comment: Not observed at significant frequency in large population cohorts (gnomAD); Missense variants in this gene are a common cause of disease and they are underrepresented in the general population; In silico analysis indicates that this missense variant does not alter protein structure/function; Has not been previously published as pathogenic or benign to our knowledge

Labcorp Genetics (formerly Invitae), Labcorp
Classification: Uncertain significance for Autosomal recessive limb-girdle muscular dystrophy type 2E. Last evaluated: 2022-08-09. Review status: criteria provided, single submitter. Criteria: Invitae Variant Classification Sherloc (09022015). Collection method: clinical testing. Allele origin: germline.
Comment: This sequence change replaces lysine, which is basic and polar, with arginine, which is basic and polar, at codon 152 of the SGCB protein (p.Lys152Arg). This variant is present in population databases (no rsID available, gnomAD 0.006%). This variant has not been reported in the literature in individuals affected with SGCB-related conditions. ClinVar contains an entry for this variant (Variation ID: 1462557). Algorithms developed to predict the effect of missense changes on protein structure and function are either unavailable or do not agree on the potential impact of this missense change (SIFT: "Tolerated"; PolyPhen-2: "Possibly Damaging"; Align-GVGD: "Class C0"). In summary, the available evidence is currently insufficient to determine the role of this variant in disease. Therefore, it has been classified as a Variant of Uncertain Significance.